The following is an entry in ClinVar:

NM_002470.4(MYH3):c.4451A>G (p.Lys1484Arg)

Gene: MYH3 (myosin heavy chain 3; minus strand). Cytogenetic location: 17p13.1.
Variant type: single nucleotide variant.
Coding change: c.4451A>G on transcript NM_002470.4 (MANE Select); coding-DNA position 4451, A replaced by G.
Protein change: p.Lys1484Arg; replaces lysine 1484 with arginine.
Molecular consequence: missense variant.
Genome position (GRCh38, 1-based): chr17:10,634,088, T>C on the plus strand (A>G on the coding strand, the complement: MYH3 is on the minus strand). VCF-style: chr17-10634088-T-C. GRCh37 (hg19) VCF-style: chr17-10537405-T-C.
Other names: short protein forms K1484R.
Identifiers: ClinVar variation 885072 (VCV000885072.13), dbSNP rs537656234, ClinGen allele CA8392224.
Genomic context (GRCh38, chr17:10,634,088, plus strand): 5'-TTATTTTCCCGTTTCACAGTTTCAAGTTGATCTAAGGCTTCCTCGTAGGCATTTTTCAGT[T>C]TGAAGAGCTCAGTGCTCAAGGAGCGGGACTCCTTCAGGGATGCCTCCAGCTCTGCTTGGC-3'
Protein context (NP_002461.2, residues 1474-1494): ESRSLSTELF[Lys1484Arg]LKNAYEEALD

ClinVar aggregate classification (germline): Benign/Likely benign. Review status: criteria provided, multiple submitters, no conflicts (2 of 4 stars). 4 submissions from 3 submitters: Benign (1); Likely benign (2). 1 of the submissions does not count toward it. Last evaluated 2025-11-23.

Conditions:
Freeman-Sheldon syndrome (DA2A). Also called: Arthrogryposis, distal, type 2A (Freeman-Sheldon); CRANIOCARPOTARSAL DYSPLASIA; CRANIOCARPOTARSAL DYSTROPHY; WHISTLING FACE-WINDMILL VANE HAND SYNDROME. Identifiers: Orphanet 2053, MedGen C0265224, MONDO:0008675, OMIM 193700.
Distal arthrogryposis type 2B1 (DA2B1). Also called: Arthrogryposis multiplex congenita distal type II with craniofacial abnormalities. Identifiers: Orphanet 1147, MedGen C5193014, MONDO:0020820, OMIM 601680.
MYH3-related disorder. Also called: MYH3-Related Disorders; MYH3-related condition. Identifiers: MedGen CN239329.

Allele frequency attached by ClinVar (database versions not stated): gnomAD below 0.00001 and 0.00005; TOPMed 0.00001; gnomAD exomes 0.00010 and 0.00018; ExAC 0.00023; 1000 Genomes Project 30x 0.00031; 1000 Genomes Project 0.00040.
gnomAD v4.1: 152 of 1,614,248 alleles (0.0094%); highest among the groups gnomAD compares: South Asian, 0.15%; 4 homozygotes.

Submissions (4):

Labcorp Genetics (formerly Invitae), Labcorp
Classification: Likely benign. Last evaluated: 2025-11-23. Review status: criteria provided, single submitter. Criteria: Invitae Variant Classification Sherloc (09022015). Collection method: clinical testing. Allele origin: germline.

Illumina Laboratory Services, Illumina
Classification: Benign for Freeman-Sheldon syndrome. Last evaluated: 2018-01-13. Review status: criteria provided, single submitter. Criteria: ICSL Variant Classification Criteria 13 December 2019. Collection method: clinical testing. Allele origin: germline.
Comment: This variant was observed in the ICSL laboratory as part of a predisposition screen in an ostensibly healthy population. It had not been previously curated by ICSL or reported in the Human Gene Mutation Database (HGMD: prior to June 1st, 2018), and was therefore a candidate for classification through an automated scoring system. Utilizing variant allele frequency, disease prevalence and penetrance estimates, and inheritance mode, an automated score was calculated to assess if this variant is too frequent to cause the disease. Based on the score and internal cut-off values, a variant classified as benign is not then subjected to further curation. The score for this variant resulted in a classification of benign for this disease.

Illumina Laboratory Services, Illumina
Classification: Likely benign for Distal arthrogryposis type 2B1. Last evaluated: 2018-01-13. Review status: criteria provided, single submitter. Criteria: ICSL Variant Classification Criteria 13 December 2019. Collection method: clinical testing. Allele origin: germline.
Comment: This variant was observed in the ICSL laboratory as part of a predisposition screen in an ostensibly healthy population. It had not been previously curated by ICSL or reported in the Human Gene Mutation Database (HGMD: prior to June 1st, 2018), and was therefore a candidate for classification through an automated scoring system. Utilizing variant allele frequency, disease prevalence and penetrance estimates, and inheritance mode, an automated score was calculated to assess if this variant is too frequent to cause the disease. Based on the score and internal cut-off values, a variant classified as likely benign is not then subjected to further curation. The score for this variant resulted in a classification of likely benign for this disease.

PreventionGenetics, part of Exact Sciences
Classification: Likely benign for MYH3-related condition. Last evaluated: 2022-08-02. Review status: no assertion criteria provided. Collection method: clinical testing. Allele origin: germline. Not counted in ClinVar's aggregate classification.
Comment: This variant is classified as likely benign based on ACMG/AMP sequence variant interpretation guidelines (Richards et al. 2015 PMID: 25741868, with internal and published modifications).